The following is an entry in ClinVar:

NM_005963.4(MYH1):c.1918G>A (p.Gly640Ser)

Genes: MYH1 (myosin heavy chain 1; minus strand), MYHAS (myosin heavy chain gene cluster antisense RNA; plus strand). Cytogenetic location: 17p13.1.
Variant type: single nucleotide variant.
Coding change: c.1918G>A on transcript NM_005963.4 (MANE Select); coding-DNA position 1918, G replaced by A.
Protein change: p.Gly640Ser; replaces glycine 640 with serine.
Molecular consequence: missense variant.
Genome position (GRCh38, 1-based): chr17:10,507,936, C>T on the plus strand (G>A on the coding strand, the complement: MYH1 is on the minus strand). VCF-style: chr17-10507936-C-T. GRCh37 (hg19) VCF-style: chr17-10411253-C-T.
Other names: short protein forms G640S.
Identifiers: ClinVar variation 4989076 (VCV004989076.1).
Genomic context (GRCh38, chr17:10,507,936, plus strand): 5'-AAGTTTGTACCCTGAAGAGAGCAGACACAGTCTGGAAAGAAGAACCCTTCTTCTTACCAC[C>T]TTTCTTTCCACCGCCAGCCTCTGAGGGGAAAAAGAAAGCAATCATAGGACAGCCTTTCTC-3'
Protein context (NP_005954.3, residues 630-650): AEAEAGGGKK[Gly640Ser]GKKKGSSFQT

ClinVar aggregate classification (germline): Likely benign (1 of 4 stars; one submission).

Conditions:
MYH1-related disorder. Also called: MYH1-related condition.

gnomAD v4.1: 8,226 of 1,613,578 alleles (0.51%); highest among the groups gnomAD compares: Non-Finnish European, 0.61%; 42 homozygotes.

Submission:

PreventionGenetics, part of Exact Sciences
Classification: Likely benign for MYH1-related condition. Last evaluated: 2025-06-05. Review status: criteria provided, single submitter. Criteria: ACMG Guidelines, 2015. Collection method: clinical testing. Allele origin: germline.
Comment: This variant is classified as likely benign based on ACMG/AMP sequence variant interpretation guidelines (Richards et al. 2015 PMID: 25741868, with internal and published modifications).